The following is an entry in ClinVar:

NM_006258.4(PRKG1):c.1466A>T (p.Tyr489Phe)

Gene: PRKG1 (protein kinase cGMP-dependent 1; plus strand). Cytogenetic location: 10q21.1.
Variant type: single nucleotide variant.
Coding change: c.1466A>T on transcript NM_006258.4 (MANE Select); coding-DNA position 1466, A replaced by T.
Protein change: p.Tyr489Phe; replaces tyrosine 489 with phenylalanine.
Molecular consequence: missense variant.
Genome position (GRCh38, 1-based): chr10:52,280,851, A>T. VCF-style: chr10-52280851-A-T. GRCh37 (hg19) VCF-style: chr10-54040611-A-T.
Other names: c.1421A>T, p.Tyr474Phe (LRG_1135t2, NM_001098512.3); c.1466A>T, p.Tyr489Phe (LRG_1135t1); short protein forms Y474F, Y489F.
Identifiers: ClinVar variation 210010 (VCV000210010.38), dbSNP rs149710600, ClinGen allele CA205029.

ClinVar aggregate classification (germline): Conflicting classifications of pathogenicity. Review status: criteria provided, conflicting classifications (1 of 4 stars). 8 submissions from 8 submitters: Uncertain significance (5); Likely benign (2). 1 of the submissions does not count toward it. Last evaluated 2026-04-21.

Conditions:
PRKG1-related disorder. Also called: PRKG1-related condition.
Aortic aneurysm, familial thoracic 8 (AAT8). Identifiers: MedGen C3809513, MONDO:0014187, OMIM 615436.
Familial thoracic aortic aneurysm and aortic dissection (TAAD). Also called: Thoracic aortic aneurysms and dissections. Identifiers: Orphanet 91387, MedGen C4707243, MONDO:0019625.

Allele frequency attached by ClinVar (database versions not stated): 1000 Genomes Project 0.00020; TOPMed 0.00024; gnomAD 0.00026 and 0.00027; 1000 Genomes Project 30x 0.00031; ESP Exome Variant Server 0.00062.
gnomAD v4.1: 591 of 1,613,394 alleles (0.037%); highest among the groups gnomAD compares: Non-Finnish European, 0.048%; no homozygotes.

Submissions (8):

Ambry Genetics
Classification: Uncertain significance for Familial thoracic aortic aneurysm and aortic dissection. Last evaluated: 2026-04-21. Review status: criteria provided, single submitter. Criteria: Ambry Variant Classification Scheme 2023. Collection method: clinical testing. Allele origin: germline.
Comment: The c.1466A>T (p.Y489F) alteration is located in exon 13 (coding exon 13) of the PRKG1 gene. This alteration results from a A to T substitution at nucleotide position 1466, causing the tyrosine (Y) at amino acid position 489 to be replaced by a phenylalanine (F). Based on data from gnomAD, the T allele has an overall frequency of 0.024% (68/281924) total alleles studied. The highest observed frequency was 0.051% (65/128376) of European (non-Finnish) alleles. Based on insufficient or conflicting evidence, the clinical significance of this alteration remains unclear.

Labcorp Genetics (formerly Invitae), Labcorp
Classification: Uncertain significance for Aortic aneurysm, familial thoracic 8. Last evaluated: 2026-02-02. Review status: criteria provided, single submitter. Criteria: Invitae Variant Classification Sherloc (09022015). Collection method: clinical testing. Allele origin: germline.
Comment: This sequence change replaces tyrosine, which is neutral and polar, with phenylalanine, which is neutral and non-polar, at codon 489 of the PRKG1 protein (p.Tyr489Phe). This variant is present in population databases (rs149710600, gnomAD 0.05%), and has an allele count higher than expected for a pathogenic variant. This missense change has been observed in individual(s) with aortic dilatation (PMID: 23910461). ClinVar contains an entry for this variant (Variation ID: 210010). An algorithm developed to predict the effect of missense changes on protein structure and function (PolyPhen-2) suggests that this variant is likely to be disruptive. In summary, the available evidence is currently insufficient to determine the role of this variant in disease. Therefore, it has been classified as a Variant of Uncertain Significance.

Blueprint Genetics
Classification: Likely benign. Last evaluated: 2024-06-07. Review status: criteria provided, single submitter. Criteria: ACMG Guidelines, 2015. Collection method: clinical testing. Allele origin: germline.

GeneDx
Classification: Uncertain significance. Last evaluated: 2024-05-09. Review status: criteria provided, single submitter. Criteria: GeneDx Variant Classification Process June 2021. Collection method: clinical testing. Allele origin: germline. Affected: yes.
Comment: Reported in two affected individuals from a family with a history of TAAD; however, it did not segregate with disease in all affected individuals (PMID: 23910461); In silico analysis supports that this missense variant has a deleterious effect on protein structure/function; Also known as p.(Y474F); This variant is associated with the following publications: (PMID: 23910461)

Women's Health and Genetics/Laboratory Corporation of America, LabCorp
Classification: Uncertain significance. Last evaluated: 2023-10-11. Review status: criteria provided, single submitter. Criteria: LabCorp Variant Classification Summary - May 2015. Collection method: clinical testing. Allele origin: germline.
Comment: Variant summary: PRKG1 c.1466A>T (p.Tyr489Phe) results in a conservative amino acid change located in the Protein kinase domain (IPR000719) of the encoded protein sequence. Three of five in-silico tools predict a damaging effect of the variant on protein function. The variant allele was found at a frequency of 0.00024 in 250544 control chromosomes. The observed variant frequency is approximately 19 fold of the estimated maximal expected allele frequency for a pathogenic variant in PRKG1 causing Thoracic Aortic Aneurysms And Dissections phenotype (1.3e-05), strongly suggesting that the variant is benign. c.1466A>T has been reported in the literature in individuals affected with Thoracic Aortic Aneurysms And Dissections (Guo_2013) but does not segregate with disease. This report does not provide unequivocal conclusions about association of the variant with Thoracic Aortic Aneurysms And Dissections. To our knowledge, no experimental evidence demonstrating an impact on protein function has been reported. The following publications have been ascertained in the context of this evaluation (PMID: 24667040, 23910461). Three submitters have cited clinical-significance assessments for this variant to ClinVar after 2014. All submitters classified the variant as uncertain significance. Based on the evidence outlined above, the variant was classified as uncertain significance.

Victorian Clinical Genetics Services, Murdoch Childrens Research Institute
Classification: Uncertain significance for Aortic aneurysm, familial thoracic 8. Last evaluated: 2023-07-16. Review status: criteria provided, single submitter. Criteria: ACMG Guidelines, 2015. Collection method: clinical testing. Allele origin: germline. Inheritance: Autosomal dominant inheritance. Affected: yes.
Comment: Based on the classification scheme VCGS_Germline_v1.3.4, this variant is classified as VUS-3C. Following criteria are met: 0101 - Gain of function is a reported mechanism of disease in this gene and is associated with familial thoracic aortic aneurysm 8 (MIM#615436) (PMID: 23910461). (I) 0107 - This gene is associated with autosomal dominant disease. (I) 0200 - Variant is predicted to result in a missense amino acid change from tyrosine to phenylalanine. (I) 0251 - This variant is heterozygous. (I) 0302 - Variant is present in gnomAD (v2 & v3) <0.001 for a dominant condition (97 heterozygotes, 0 homozygotes). (SP) 0309 - An alternative amino acid change at the same position has been observed in gnomAD (v2) (1 heterozygote, 0 homozygotes). (I) 0502 - Missense variant with conflicting in silico predictions and high conservation. (I) 0600 - Variant is located in the annotated protein kinase domain (DECIPHER). (I) 0710 - Another missense variant comparable to the one identified in this case has inconclusive previous evidence for pathogenicity. p.(Tyr474Cys) has been reported as a VUS (ClinVar). (I) 0809 - Previous evidence of pathogenicity for this variant is inconclusive. This variant has been reported as a VUS by multiple clinical testing laboratories (ClinVar). It has also been reported in a family with familial thoracic aortic disease, however the variant did not segregate with disease within the family (PMID: 23910461). (I) 1007 - No published functional evidence has been identified for this variant. (I) 1208 - Inheritance information for this variant is not currently available in this individual. (I) Legend: (SP) - Supporting pathogenic, (I) - Information, (SB) - Supporting benign

Department of Internal Medicine, University of Texas Health Science Center at Houston
Classification: Likely benign for Aortic aneurysm, familial thoracic 8. Last evaluated: 2014-01-17. Review status: criteria provided, single submitter. Criteria: Submitter's publication. Collection method: research. Allele origin: germline. Affected: yes.

PreventionGenetics, part of Exact Sciences
Classification: Likely benign for PRKG1-related condition. Last evaluated: 2024-08-09. Review status: no assertion criteria provided. Collection method: clinical testing. Allele origin: germline. Not counted in ClinVar's aggregate classification.
Comment: This variant is classified as likely benign based on ACMG/AMP sequence variant interpretation guidelines (Richards et al. 2015 PMID: 25741868, with internal and published modifications).

Literature cited by the submitters: PubMed 23910461 (cited by 3 submitters); PubMed 24667040 (cited by Women's Health and Genetics/Laboratory Corporation of America, LabCorp).